The following is an entry in ClinVar:

ClinVar aggregate classification (germline): Uncertain significance (1 of 4 stars; one submission).

Conditions:
Rubinstein-Taybi syndrome (RSTS). Identifiers: Orphanet 783, MedGen C0035934, MONDO:0019188.

Allele frequency attached by ClinVar (database versions not stated): gnomAD exomes below 0.00001.
gnomAD v4.1: 5 of 1,612,000 alleles (0.00031%); highest among the groups gnomAD compares: Admixed American, 0.0017%; no homozygotes.

Submission:

Labcorp Genetics (formerly Invitae), Labcorp
Classification: Uncertain significance for Rubinstein-Taybi syndrome. Last evaluated: 2022-08-16. Review status: criteria provided, single submitter. Criteria: Invitae Variant Classification Sherloc (09022015). Collection method: clinical testing. Allele origin: germline.
Comment: This sequence change replaces glutamine, which is neutral and polar, with proline, which is neutral and non-polar, at codon 2379 of the CREBBP protein (p.Gln2379Pro). This variant is not present in population databases (gnomAD no frequency). This variant has not been reported in the literature in individuals affected with CREBBP-related conditions. Advanced modeling of protein sequence and biophysical properties (such as structural, functional, and spatial information, amino acid conservation, physicochemical variation, residue mobility, and thermodynamic stability) performed at Invitae indicates that this missense variant is not expected to disrupt CREBBP protein function. In summary, the available evidence is currently insufficient to determine the role of this variant in disease. Therefore, it has been classified as a Variant of Uncertain Significance.

NM_004380.3(CREBBP):c.7136A>C (p.Gln2379Pro)

Gene: CREBBP (CREB binding lysine acetyltransferase; minus strand). Cytogenetic location: 16p13.3.
Variant type: single nucleotide variant.
Coding change: c.7136A>C on transcript NM_004380.3 (MANE Select); coding-DNA position 7136, A replaced by C.
Protein change: p.Gln2379Pro; replaces glutamine 2379 with proline.
Molecular consequence: missense variant.
Genome position (GRCh38, 1-based): chr16:3,727,911, T>G on the plus strand (A>C on the coding strand, the complement: CREBBP is on the minus strand). VCF-style: chr16-3727911-T-G. GRCh37 (hg19) VCF-style: chr16-3777912-T-G.
Other names: c.7022A>C, p.Gln2341Pro (NM_001079846.1); short protein forms Q2341P, Q2379P.
Identifiers: ClinVar variation 2050465 (VCV002050465.4), dbSNP rs757446484, ClinGen allele CA394550459.